The following is an entry in ClinVar:

NM_003072.5(SMARCA4):c.4768+3G>A

Gene: SMARCA4 (SWI/SNF related BAF chromatin remodeling complex subunit ATPase 4; plus strand). Cytogenetic location: 19p13.2.
Variant type: single nucleotide variant.
Coding change: c.4768+3G>A on transcript NM_003072.5 (MANE Select); 3 bases into the intron after coding-DNA position 4768, G replaced by A.
Molecular consequence: intron variant.
Genome position (GRCh38, 1-based): chr19:11,059,888, G>A. VCF-style: chr19-11059888-G-A. GRCh37 (hg19) VCF-style: chr19-11170564-G-A.
Other names: c.4768+3G>A (NM_001128844.3); c.4864+3G>A (NM_001128849.3); c.4669+3G>A (NM_001128847.4, NM_001374457.1); c.4678+3G>A (NM_001128845.2); c.4675+3G>A (NM_001128846.2); c.4666+3G>A (NM_001128848.2).
Identifiers: ClinVar variation 1016206 (VCV001016206.8), dbSNP rs2076757838, ClinGen allele CA2322744581.
Genomic context (GRCh38, chr19:11,059,888, plus strand): 5'-GAAGGCGAGGAGAGTGAGGAGGAGGAAGAGGGCGAGGAGGAAGGCTCCGAATCCGAATGT[G>A]AGTCCCGGGGGGGTTCAGGACGCCGGGGTTCACGCTGGCCCGAGAGCCCCCAAGGCCCCA-3'

ClinVar aggregate classification (germline): Uncertain significance. Review status: criteria provided, multiple submitters, no conflicts (2 of 4 stars). 2 submissions from 2 submitters: Uncertain significance (2). Last evaluated 2024-10-03.

Conditions:
Hereditary cancer-predisposing syndrome. Also called: Hereditary Cancer Syndrome; Tumor predisposition; Neoplastic Syndromes, Hereditary; Hereditary neoplastic syndrome. Identifiers: Orphanet 140162, MedGen C0027672, MeSH D009386, MONDO:0015356.
Rhabdoid tumor predisposition syndrome 2 (RTPS2). Identifiers: Orphanet 231108, Orphanet 69077, MedGen C2750074, MONDO:0013224, OMIM 613325.

Submissions (2):

Ambry Genetics
Classification: Uncertain significance for Hereditary cancer-predisposing syndrome. Last evaluated: 2024-10-03. Review status: criteria provided, single submitter. Criteria: Ambry Variant Classification Scheme 2023. Collection method: clinical testing. Allele origin: germline.
Comment: The c.4864+3G>A intronic variant results from a G to A substitution 3 nucleotides after coding exon 33 in the SMARCA4 gene. This nucleotide position is not well conserved in available vertebrate species. In silico splice site analysis predicts that this alteration will not have any significant effect on splicing; however, direct evidence is insufficient at this time (Ambry internal data). Based on the available evidence, the clinical significance of this variant remains unclear.

Labcorp Genetics (formerly Invitae), Labcorp
Classification: Uncertain significance for Rhabdoid tumor predisposition syndrome 2. Last evaluated: 2022-11-10. Review status: criteria provided, single submitter. Criteria: Invitae Variant Classification Sherloc (09022015). Collection method: clinical testing. Allele origin: germline.
Comment: This variant has not been reported in the literature in individuals affected with SMARCA4-related conditions. This variant is not present in population databases (gnomAD no frequency). This sequence change falls in intron 34 of the SMARCA4 gene. It does not directly change the encoded amino acid sequence of the SMARCA4 protein. It affects a nucleotide within the consensus splice site. ClinVar contains an entry for this variant (Variation ID: 1016206). In summary, the available evidence is currently insufficient to determine the role of this variant in disease. Therefore, it has been classified as a Variant of Uncertain Significance. Variants that disrupt the consensus splice site are a relatively common cause of aberrant splicing (PMID: 17576681, 9536098). Algorithms developed to predict the effect of sequence changes on RNA splicing suggest that this variant is not likely to affect RNA splicing.

Literature cited by the submitters: PubMed 17576681 (cited by Labcorp Genetics (formerly Invitae), Labcorp); PubMed 9536098 (cited by Labcorp Genetics (formerly Invitae), Labcorp).